The following is an entry in ClinVar:

NM_001297595.2(SIN3B):c.1376G>A (p.Arg459His)

Gene: SIN3B (SIN3 transcription regulator family member B; plus strand). Cytogenetic location: 19p13.11.
Variant type: single nucleotide variant.
Coding change: c.1376G>A on transcript NM_001297595.2 (MANE Select); coding-DNA position 1376, G replaced by A.
Protein change: p.Arg459His; replaces arginine 459 with histidine.
Molecular consequence: missense variant.
Genome position (GRCh38, 1-based): chr19:16,863,789, G>A. VCF-style: chr19-16863789-G-A. GRCh37 (hg19) VCF-style: chr19-16974600-G-A.
Other names: c.146G>A, p.Arg49His (NM_001297597.2); c.1472G>A, p.Arg491His (NM_015260.4); short protein forms R459H, R491H, R49H.
Identifiers: ClinVar variation 3341018 (VCV003341018.2).
Genomic context (GRCh38, chr19:16,863,789, plus strand): 5'-CGTTCGTCAGCTCCAAGAAGACACCGTACGAGGAGCAGCTTCACCGCTGTGAGGACGAGC[G>A]CTTCGAGGTGTGTGTGCTGCTGTGGCCGGGTCCCCCGGCATGTGCCTGTTCCCCTTCTCC-3'
Protein context (NP_001284524.1, residues 449-469): EEQLHRCEDE[Arg459His]FELDVVLETN

ClinVar aggregate classification (germline): Uncertain significance (1 of 4 stars; one submission).

gnomAD v4.1: 1 of 1,612,722 alleles (0.000062%); highest among the groups gnomAD compares: Non-Finnish European, 0.000085%; no homozygotes.

Submission:

GeneDx
Classification: Uncertain significance. Last evaluated: 2025-08-10. Review status: criteria provided, single submitter. Criteria: GeneDx Variant Classification Process June 2021. Collection method: clinical testing. Allele origin: germline.
Comment: Not observed at significant frequency in large population cohorts (gnomAD); In silico analysis supports that this missense variant has a deleterious effect on protein structure/function; Has not been previously published as pathogenic or benign to our knowledge